The following is an entry in ClinVar:

ClinVar aggregate classification (germline): Uncertain significance (1 of 4 stars; one submission).

Conditions:
Multiple endocrine neoplasia, type 1 (MEN1). Also called: MEN I; WERMER SYNDROME; Endocrine adenomatosis multiple; MEN 1; MEA I. Identifiers: Orphanet 652, MedGen C0025267, MeSH D018761, MONDO:0007540, OMIM 131100.

Submission:

Labcorp Genetics (formerly Invitae), Labcorp
Classification: Uncertain significance for Multiple endocrine neoplasia, type 1. Last evaluated: 2023-01-22. Review status: criteria provided, single submitter. Criteria: Invitae Variant Classification Sherloc (09022015). Collection method: clinical testing. Allele origin: germline.
Comment: This sequence change replaces aspartic acid, which is acidic and polar, with glycine, which is neutral and non-polar, at codon 231 of the MEN1 protein (p.Asp231Gly). In summary, the available evidence is currently insufficient to determine the role of this variant in disease. Therefore, it has been classified as a Variant of Uncertain Significance. Advanced modeling of protein sequence and biophysical properties (such as structural, functional, and spatial information, amino acid conservation, physicochemical variation, residue mobility, and thermodynamic stability) performed at Invitae indicates that this missense variant is expected to disrupt MEN1 protein function. This variant has not been reported in the literature in individuals affected with MEN1-related conditions. This variant is not present in population databases (gnomAD no frequency).

NM_001370259.2(MEN1):c.692A>G (p.Asp231Gly)

Gene: MEN1 (menin 1; minus strand). Cytogenetic location: 11q13.1.
Variant type: single nucleotide variant.
Coding change: c.692A>G on transcript NM_001370259.2 (MANE Select); coding-DNA position 692, A replaced by G.
Protein change: p.Asp231Gly; replaces aspartic acid 231 with glycine.
Molecular consequence: missense variant. On other transcripts: non-coding transcript variant (4).
Genome position (GRCh38, 1-based): chr11:64,807,643, T>C on the plus strand (A>G on the coding strand, the complement: MEN1 is on the minus strand). VCF-style: chr11-64807643-T-C. GRCh37 (hg19) VCF-style: chr11-64575115-T-C.
Other names: c.707A>G, p.Asp236Gly (NM_000244.4, NM_130800.3, NM_130801.3 and 5 more transcripts); c.692A>G, p.Asp231Gly (NM_001370251.2, NM_001370260.2, NM_001370261.2 and 7 more transcripts); c.587A>G, p.Asp196Gly (NM_001370262.2, NM_001370263.2, NM_001407148.1 and 2 more transcripts); short protein forms D231G, D236G, D196G.
Identifiers: ClinVar variation 2824394 (VCV002824394.3), dbSNP rs2497206517, ClinGen allele CA381184637.